The following is an entry in ClinVar:

ClinVar aggregate classification (germline): Benign (1 of 4 stars; one submission).

Conditions:
Progressive external ophthalmoplegia with mitochondrial DNA deletions, autosomal dominant 2. Also called: PROGRESSIVE EXTERNAL OPHTHALMOPLEGIA, AUTOSOMAL DOMINANT 2. Identifiers: MedGen C1836460, MONDO:0012238, OMIM 609283.

Allele frequency attached by ClinVar (database versions not stated): gnomAD 0.01589 and 0.01609; TOPMed 0.01708; 1000 Genomes Project 0.02636; 1000 Genomes Project 30x 0.02686.

Submission:

Illumina Laboratory Services, Illumina
Classification: Benign for Progressive external ophthalmoplegia with mitochondrial DNA deletions, autosomal dominant 2. Last evaluated: 2018-01-13. Review status: criteria provided, single submitter. Criteria: ICSL Variant Classification Criteria 13 December 2019. Collection method: clinical testing. Allele origin: germline.
Comment: This variant was observed in the ICSL laboratory as part of a predisposition screen in an ostensibly healthy population. It had not been previously curated by ICSL or reported in the Human Gene Mutation Database (HGMD: prior to June 1st, 2018), and was therefore a candidate for classification through an automated scoring system. Utilizing variant allele frequency, disease prevalence and penetrance estimates, and inheritance mode, an automated score was calculated to assess if this variant is too frequent to cause the disease. Based on the score and internal cut-off values, a variant classified as benign is not then subjected to further curation. The score for this variant resulted in a classification of benign for this disease.

NM_001151.4(SLC25A4):c.*2050A>G

Gene: SLC25A4 (solute carrier family 25 member 4; plus strand). Cytogenetic location: 4q35.1.
Variant type: single nucleotide variant.
Coding change: c.*2050A>G on transcript NM_001151.4 (MANE Select); 2050 bases downstream of the stop codon, A replaced by G.
Molecular consequence: 3 prime UTR variant.
Genome position (GRCh38, 1-based): chr4:185,149,021, A>G. VCF-style: chr4-185149021-A-G. GRCh37 (hg19) VCF-style: chr4-186070175-A-G.
Identifiers: ClinVar variation 348270 (VCV000348270.5), dbSNP rs76364770, ClinGen allele CA10617485.
Genomic context (GRCh38, chr4:185,149,021, plus strand): 5'-TGCTTTTACCACAGTTACCAAGGTCTGAGTTTTATAAAATCCAGGATCACATCTGACCTC[A>G]CCTGGTAGATATCTAGGCCAATAAAGTCTAAAGGGCTAAAAAGAAGGTACCTCTCCATCC-3'